The following is an entry in ClinVar:

NM_000321.3(RB1):c.347C>T (p.Thr116Ile)

Gene: RB1 (RB transcriptional corepressor 1; plus strand). Cytogenetic location: 13q14.2.
Variant type: single nucleotide variant.
Coding change: c.347C>T on transcript NM_000321.3 (MANE Select); coding-DNA position 347, C replaced by T.
Protein change: p.Thr116Ile; replaces threonine 116 with isoleucine.
Molecular consequence: missense variant.
Genome position (GRCh38, 1-based): chr13:48,342,681, C>T. VCF-style: chr13-48342681-C-T. GRCh37 (hg19) VCF-style: chr13-48916817-C-T.
Other names: c.347C>T, p.Thr116Ile (NM_001407165.1, NM_001407166.1); short protein forms T116I.
Identifiers: ClinVar variation 2855990 (VCV002855990.4), dbSNP rs2542156181, ClinGen allele CA388252500.
Genomic context (GRCh38, chr13:48,342,681, plus strand): 5'-AGGAACTGTGGGGAATCTGTATCTTTATTGCAGCAGTTGACCTAGATGAGATGTCGTTCA[C>T]TTTTACTGAGCTACAGAAAAACATAGAAATCAGGTAAAGTTTCTTGTATAAATATAAGCC-3'
Protein context (NP_000312.2, residues 106-126): AAVDLDEMSF[Thr116Ile]FTELQKNIEI

ClinVar aggregate classification (germline): Uncertain significance. Review status: criteria provided, multiple submitters, no conflicts (2 of 4 stars). 2 submissions from 2 submitters: Uncertain significance (2). Last evaluated 2023-12-12.

Conditions:
Retinoblastoma (RB1). Also called: RETINOBLASTOMA, SOMATIC. Identifiers: Orphanet 790, MedGen C0035335, MeSH D012175, MONDO:0008380, OMIM 180200, HP:0009919. Disease mechanism: loss of function. Inheritance: Both sporadic and heritable forms are tested..
Hereditary cancer-predisposing syndrome. Also called: Neoplastic Syndromes, Hereditary; Hereditary neoplastic syndrome; Tumor predisposition; Hereditary Cancer Syndrome. Identifiers: Orphanet 140162, MedGen C0027672, MeSH D009386, MONDO:0015356.

Submissions (2):

Ambry Genetics
Classification: Uncertain significance for Hereditary cancer-predisposing syndrome. Last evaluated: 2023-12-12. Review status: criteria provided, single submitter. Criteria: Ambry Variant Classification Scheme 2023. Collection method: clinical testing. Allele origin: germline.
Comment: The p.T116I variant (also known as c.347C>T), located in coding exon 3 of the RB1 gene, results from a C to T substitution at nucleotide position 347. The threonine at codon 116 is replaced by isoleucine, an amino acid with similar properties. This amino acid position is highly conserved in available vertebrate species. In addition, this alteration is predicted to be deleterious by in silico analysis. Since supporting evidence is limited at this time, the clinical significance of this alteration remains unclear.

Labcorp Genetics (formerly Invitae), Labcorp
Classification: Uncertain significance for Retinoblastoma. Last evaluated: 2023-04-14. Review status: criteria provided, single submitter. Criteria: Invitae Variant Classification Sherloc (09022015). Collection method: clinical testing. Allele origin: germline.
Comment: In summary, the available evidence is currently insufficient to determine the role of this variant in disease. Therefore, it has been classified as a Variant of Uncertain Significance. Advanced modeling of protein sequence and biophysical properties (such as structural, functional, and spatial information, amino acid conservation, physicochemical variation, residue mobility, and thermodynamic stability) performed at Invitae indicates that this missense variant is expected to disrupt RB1 protein function. This variant has not been reported in the literature in individuals affected with RB1-related conditions. This variant is not present in population databases (gnomAD no frequency). This sequence change replaces threonine, which is neutral and polar, with isoleucine, which is neutral and non-polar, at codon 116 of the RB1 protein (p.Thr116Ile).